The following is an entry in ClinVar:

NM_001164508.2(NEB):c.20968C>T (p.His6990Tyr)

Gene: NEB (nebulin; minus strand). Cytogenetic location: 2q23.3.
Variant type: single nucleotide variant.
Coding change: c.20968C>T on transcript NM_001164508.2 (MANE Select); coding-DNA position 20968, C replaced by T.
Protein change: p.His6990Tyr; replaces histidine 6990 with tyrosine.
Molecular consequence: missense variant.
Genome position (GRCh38, 1-based): chr2:151,538,169, G>A on the plus strand (C>T on the coding strand, the complement: NEB is on the minus strand). VCF-style: chr2-151538169-G-A. GRCh37 (hg19) VCF-style: chr2-152394683-G-A.
Other names: c.20968C>T, p.His6990Tyr (NM_001164507.2, NM_001271208.2); c.15865C>T, p.His5289Tyr (NM_004543.5); short protein forms H6990Y, H5289Y.
Identifiers: ClinVar variation 972314 (VCV000972314.14), dbSNP rs1383294380, ClinGen allele CA348776350.

ClinVar aggregate classification (germline): Uncertain significance. Review status: criteria provided, single submitter (1 of 4 stars). 2 submissions from 2 submitters: Uncertain significance (1). 1 of the submissions does not count toward it. Last evaluated 2022-07-25.

Conditions:
Nemaline myopathy 2 (NEM2). Also called: Nemaline myopathy 2, autosomal recessive. Identifiers: MedGen C1850569, MONDO:0009725, OMIM 256030.

Allele frequency attached by ClinVar (database versions not stated): gnomAD exomes below 0.00001.

Submissions (2):

Labcorp Genetics (formerly Invitae), Labcorp
Classification: Uncertain significance for Nemaline myopathy 2. Last evaluated: 2022-07-25. Review status: criteria provided, single submitter. Criteria: Invitae Variant Classification Sherloc (09022015). Collection method: clinical testing. Allele origin: germline.
Comment: Algorithms developed to predict the effect of missense changes on protein structure and function are either unavailable or do not agree on the potential impact of this missense change (SIFT: "Deleterious"; PolyPhen-2: "Not Available"; Align-GVGD: "Class C0"). ClinVar contains an entry for this variant (Variation ID: 972314). This variant has not been reported in the literature in individuals affected with NEB-related conditions. This variant is present in population databases (no rsID available, gnomAD 0.003%). This sequence change replaces histidine, which is basic and polar, with tyrosine, which is neutral and polar, at codon 6990 of the NEB protein (p.His6990Tyr). In summary, the available evidence is currently insufficient to determine the role of this variant in disease. Therefore, it has been classified as a Variant of Uncertain Significance.

Natera, Inc.
Classification: Uncertain significance for Nemaline myopathy type 2. Last evaluated: 2021-10-04. Review status: no assertion criteria provided. Collection method: clinical testing. Allele origin: germline. Not counted in ClinVar's aggregate classification.